The following is an entry in ClinVar:

ClinVar aggregate classification (germline): Uncertain significance. Review status: criteria provided, multiple submitters, no conflicts (2 of 4 stars). 2 submissions from 2 submitters: Uncertain significance (2). Last evaluated 2025-03-18.

Conditions:
Hereditary cancer-predisposing syndrome. Also called: Hereditary neoplastic syndrome; Tumor predisposition; Neoplastic Syndromes, Hereditary; Hereditary Cancer Syndrome. Identifiers: Orphanet 140162, MedGen C0027672, MeSH D009386, MONDO:0015356.

Submissions (2):

Ambry Genetics
Classification: Uncertain significance for Hereditary cancer-predisposing syndrome. Last evaluated: 2025-03-18. Review status: criteria provided, single submitter. Criteria: Ambry Variant Classification Scheme 2023. Collection method: clinical testing. Allele origin: germline.
Comment: The p.Y889C variant (also known as c.2666A>G), located in coding exon 17 of the ATM gene, results from an A to G substitution at nucleotide position 2666. The tyrosine at codon 889 is replaced by cysteine, an amino acid with highly dissimilar properties. This amino acid position is not well conserved in available vertebrate species. In addition, this alteration is predicted to be tolerated by in silico analysis. Based on the available evidence, the clinical significance of this variant remains unclear.

GeneDx
Classification: Uncertain significance. Last evaluated: 2015-02-27. Review status: criteria provided, single submitter. Criteria: GeneDx Variant Classification (06012015). Collection method: clinical testing. Allele origin: germline. Affected: yes.
Comment: This variant is denoted ATM c.2666A>G at the cDNA level, p.Tyr889Cys (Y889C) at the protein level, and results in the change of a Tyrosine to a Cysteine (TAT>TGT). This variant has not, to our knowledge, been published in the literature as pathogenic or benign. ATM Tyr889Cys was not observed in approximately 6,500 individuals of European and African American ancestry in the NHLBI Exome Sequencing Project, indicating it is not a common benign variant in these populations. Since Tyrosine and Cysteine differ in polarity, charge, size or other properties, this is considered a non-conservative amino acid substitution. ATM Tyr889Cys occurs at a position that is poorly conserved across species and is not located in a known functional domain. In silico analyses predict that this variant is unlikely to alter protein structure or function (UniProt). Based on currently available information, it is unclear whether ATM Tyr889Cys is pathogenic or benign. We consider it to be a variant of uncertain significance.

NM_000051.4(ATM):c.2666A>G (p.Tyr889Cys)

Gene: ATM (ATM serine/threonine kinase; plus strand). Cytogenetic location: 11q22.3.
Variant type: single nucleotide variant.
Coding change: c.2666A>G on transcript NM_000051.4 (MANE Select); coding-DNA position 2666, A replaced by G.
Protein change: p.Tyr889Cys; replaces tyrosine 889 with cysteine.
Molecular consequence: missense variant.
Genome position (GRCh38, 1-based): chr11:108,268,437, A>G. VCF-style: chr11-108268437-A-G. GRCh37 (hg19) VCF-style: chr11-108139164-A-G.
Other names: c.2666A>G, p.Tyr889Cys (NM_001351834.2); short protein forms Y889C.
Identifiers: ClinVar variation 418027 (VCV000418027.5), dbSNP rs1064793034, ClinGen allele CA16619145.
Genomic context (GRCh38, chr11:108,268,437, plus strand): 5'-CTCTTAGTGTTAATGAGTGCTTTTTATTTTTAGGTGCCATTAATCCTTTAGCTGAAGAAT[A>G]TCTGTCAAAGCAAGATCTACTTTTCTTAGACATGCTCAAGTTCTTGTGTTTGTGTGTAAC-3'
Protein context (NP_000042.3, residues 879-899): IGAINPLAEE[Tyr889Cys]LSKQDLLFLD